The following is an entry in ClinVar:

NM_003073.5(SMARCB1):c.308A>G (p.Asn103Ser)

Gene: SMARCB1 (SWI/SNF related BAF chromatin remodeling complex subunit B1; plus strand). Cytogenetic location: 22q11.23.
Variant type: single nucleotide variant.
Coding change: c.308A>G on transcript NM_003073.5 (MANE Select); coding-DNA position 308, A replaced by G.
Protein change: p.Asn103Ser; replaces asparagine 103 with serine.
Molecular consequence: missense variant.
Genome position (GRCh38, 1-based): chr22:23,793,634, A>G. VCF-style: chr22-23793634-A-G. GRCh37 (hg19) VCF-style: chr22-24135821-A-G.
Other names: c.308A>G (NM_003073.3); c.281A>G, p.Asn94Ser (NM_001007468.3, NM_001317946.2); c.308A>G, p.Asn103Ser (NM_001362877.2); short protein forms N103S, N94S.
Identifiers: ClinVar variation 1010556 (VCV001010556.7), dbSNP rs1928543301, ClinGen allele CA410933856.

ClinVar aggregate classification (germline): Uncertain significance. Review status: criteria provided, multiple submitters, no conflicts (2 of 4 stars). 2 submissions from 2 submitters: Uncertain significance (2). Last evaluated 2025-10-01.

Conditions:
Hereditary cancer-predisposing syndrome. Also called: Tumor predisposition; Hereditary neoplastic syndrome; Neoplastic Syndromes, Hereditary; Hereditary Cancer Syndrome. Identifiers: Orphanet 140162, MedGen C0027672, MeSH D009386, MONDO:0015356.

Submissions (2):

Labcorp Genetics (formerly Invitae), Labcorp
Classification: Uncertain significance. Last evaluated: 2025-10-01. Review status: criteria provided, single submitter. Criteria: Invitae Variant Classification Sherloc (09022015). Collection method: clinical testing. Allele origin: germline.
Comment: This sequence change replaces asparagine, which is neutral and polar, with serine, which is neutral and polar, at codon 103 of the SMARCB1 protein (p.Asn103Ser). This variant is not present in population databases (gnomAD no frequency). This variant has not been reported in the literature in individuals affected with SMARCB1-related conditions. ClinVar contains an entry for this variant (Variation ID: 1010556). Invitae Evidence Modeling of protein sequence and biophysical properties (such as structural, functional, and spatial information, amino acid conservation, physicochemical variation, residue mobility, and thermodynamic stability) indicates that this missense variant is not expected to disrupt SMARCB1 protein function with a negative predictive value of 80%. In summary, the available evidence is currently insufficient to determine the role of this variant in disease. Therefore, it has been classified as a Variant of Uncertain Significance.

Ambry Genetics
Classification: Uncertain significance for Hereditary cancer-predisposing syndrome. Last evaluated: 2025-03-28. Review status: criteria provided, single submitter. Criteria: Ambry Variant Classification Scheme 2023. Collection method: clinical testing. Allele origin: germline.
Comment: The p.N103S variant (also known as c.308A>G), located in coding exon 3 of the SMARCB1 gene, results from an A to G substitution at nucleotide position 308. The asparagine at codon 103 is replaced by serine, an amino acid with highly similar properties. This amino acid position is conserved. In addition, this alteration is predicted to be tolerated by in silico analysis. Based on the available evidence, the clinical significance of this variant remains unclear.